The following is an entry in ClinVar:

ClinVar aggregate classification (germline): Likely benign (0 of 4 stars; one submission).

Conditions:
BLTP1-related disorder. Also called: BLTP1-related condition.

Submission:

PreventionGenetics, part of Exact Sciences
Classification: Likely benign for BLTP1-related condition. Last evaluated: 2021-06-25. Review status: no assertion criteria provided. Collection method: clinical testing. Allele origin: germline.
Comment: This variant is classified as likely benign based on ACMG/AMP sequence variant interpretation guidelines (Richards et al. 2015 PMID: 25741868, with internal and published modifications).

NM_001384125.1(BLTP1):c.5711-11del

Gene: BLTP1 (bridge-like lipid transfer protein family member 1; plus strand). Cytogenetic location: 4q27.
Variant type: Deletion.
Coding change: c.5711-11del on transcript NM_001384125.1 (MANE Select); 11 bases into the intron before coding-DNA position 5711, one base deleted (T; older notation c.5711-11delT).
Molecular consequence: intron variant.
Genome position (GRCh38, 1-based): chr4:122,250,351, T deleted; the last of 8 consecutive T bases (chr4:122,250,344-122,250,351); deleting any one gives the same sequence. VCF-style (leftmost placement, unchanged base first): chr4-122250343-CT-C. GRCh37 (hg19) VCF-style: chr4-123171498-CT-C.
Other names: c.5711-11del (NM_015312.4).
Identifiers: ClinVar variation 3046873 (VCV003046873.2), dbSNP rs562652783, ClinGen allele CA3066678.
Genomic context (GRCh38, chr4:122,250,343, plus strand): 5'-TTTTATACAGATATTGTAGAGTACAGCATTAAGACACTTATTCACCATTTATAATAAATG[CT>C]TTTTTTTATTTTTATAGGAGGAAGACAGTCTGGTGCTGTTTTATATAACAGTTTTGGAAT-3'